The following is an entry in ClinVar:

ClinVar aggregate classification (germline): Uncertain significance (1 of 4 stars; one submission).

gnomAD v4.1: 1 of 1,614,158 alleles (0.000062%); highest among the groups gnomAD compares: South Asian, 0.0011%; no homozygotes.

Submission:

Ambry Genetics
Classification: Uncertain significance. Last evaluated: 2024-08-05. Review status: criteria provided, single submitter. Criteria: Ambry Variant Classification Scheme 2023. Collection method: clinical testing. Allele origin: germline.
Comment: The p.D1264E variant (also known as c.3792T>G), located in coding exon 17 of the NPAT gene, results from a T to G substitution at nucleotide position 3792. The aspartic acid at codon 1264 is replaced by glutamic acid, an amino acid with highly similar properties. This amino acid position is conserved. In addition, this alteration is predicted to be tolerated by in silico analysis. Based on the available evidence, the clinical significance of this variant remains unclear.

NM_002519.3(NPAT):c.3792T>G (p.Asp1264Glu)

Gene: NPAT (nuclear protein, coactivator of histone transcription; minus strand). Cytogenetic location: 11q22.3.
Variant type: single nucleotide variant.
Coding change: c.3792T>G on transcript NM_002519.3 (MANE Select); coding-DNA position 3792, T replaced by G.
Protein change: p.Asp1264Glu; replaces aspartic acid 1264 with glutamic acid.
Molecular consequence: missense variant.
Genome position (GRCh38, 1-based): chr11:108,161,294, A>C on the plus strand (T>G on the coding strand, the complement: NPAT is on the minus strand). VCF-style: chr11-108161294-A-C. GRCh37 (hg19) VCF-style: chr11-108032021-A-C.
Other names: c.3813T>G, p.Asp1271Glu (NM_001321307.1); short protein forms D1271E, D1264E.
Identifiers: ClinVar variation 3407187 (VCV003407187.1).